The following is an entry in ClinVar:

NM_007294.4(BRCA1):c.5462T>G (p.Phe1821Cys)

Gene: BRCA1 (BRCA1 DNA repair associated; minus strand). Cytogenetic location: 17q21.31.
Variant type: single nucleotide variant.
Coding change: c.5462T>G on transcript NM_007294.4 (MANE Select); coding-DNA position 5462, T replaced by G.
Protein change: p.Phe1821Cys; replaces phenylalanine 1821 with cysteine.
Molecular consequence: missense variant. On other transcripts: synonymous variant (17).
Genome position (GRCh38, 1-based): chr17:43,047,648, A>C on the plus strand (T>G on the coding strand, the complement: BRCA1 is on the minus strand). VCF-style: chr17-43047648-A-C. GRCh37 (hg19) VCF-style: chr17-41199665-A-C.
Other names: c.5126T>G, p.Phe1709Cys (NM_001407955.1, NM_001407950.1, NM_001407951.1 and 3 more transcripts); c.5123T>G, p.Phe1708Cys (NM_001407956.1, NM_001407957.1, NM_001407958.1); c.5081T>G, p.Phe1694Cys (NM_001407959.1); c.5078T>G, p.Phe1693Cys (NM_001407960.1, NM_001407962.1); c.5075T>G, p.Phe1692Cys (NM_001407963.1); c.5000T>G, p.Phe1667Cys (NM_001407964.1); c.4955T>G, p.Phe1652Cys (NM_001407965.1); c.4574T>G, p.Phe1525Cys (NM_001407966.1); and 83 more; short protein forms F1774C, F1821C, F1842C, F717C, F1525C, F1692C, F1709C, F1731C.
Identifiers: ClinVar variation 868108 (VCV000868108.3), dbSNP rs2050977559, ClinGen allele CA10590439.

Conditions:
Breast-ovarian cancer, familial, susceptibility to, 1 (BROVCA1). Also called: BRCA1 Hereditary Breast and Ovarian Cancer; OVARIAN CANCER, SUSCEPTIBILITY TO. Identifiers: Orphanet 145, MedGen C2676676, MONDO:0011450, OMIM 604370. Disease mechanism: loss of function.

Submission:

Brotman Baty Institute, University of Washington
No classification provided (evidence only). Condition: Breast-ovarian cancer, familial 1. Review status: no classification provided. Collection method: in vitro. Allele origin: not applicable. Functional consequence: functionally_normal.
ClinVar note: "not provided" was previously submitted as the classification for the variant. However, the classification appeared to be based only on an observation of functional data so it was converted to no classification on 2025-07-30.